The following is an entry in ClinVar:

ClinVar aggregate classification (germline): Uncertain significance (1 of 4 stars; one submission).

Conditions:
Ullrich congenital muscular dystrophy 2 (UCMD2). Identifiers: Orphanet 75840, MedGen C4225314, MONDO:0014654, OMIM 616470.
Bethlem myopathy 2 (BTHLM2). Identifiers: Orphanet 536516, Orphanet 610, MedGen C4225313, MONDO:0034022, OMIM 616471.

Allele frequency attached by ClinVar (database versions not stated): TOPMed below 0.00001.
gnomAD v4.1: 2 of 1,614,008 alleles (0.00012%); highest among the groups gnomAD compares: Non-Finnish European, 0.00017%; no homozygotes.

Submission:

Labcorp Genetics (formerly Invitae), Labcorp
Classification: Uncertain significance for Bethlem myopathy 2; Ullrich congenital muscular dystrophy 2. Last evaluated: 2023-09-19. Review status: criteria provided, single submitter. Criteria: Invitae Variant Classification Sherloc (09022015). Collection method: clinical testing. Allele origin: germline.
Comment: In summary, the available evidence is currently insufficient to determine the role of this variant in disease. Therefore, it has been classified as a Variant of Uncertain Significance. Advanced modeling of protein sequence and biophysical properties (such as structural, functional, and spatial information, amino acid conservation, physicochemical variation, residue mobility, and thermodynamic stability) performed at Invitae indicates that this missense variant is not expected to disrupt COL12A1 protein function. This variant has not been reported in the literature in individuals affected with COL12A1-related conditions. This variant is present in population databases (no rsID available, gnomAD 0.002%). This sequence change replaces aspartic acid, which is acidic and polar, with valine, which is neutral and non-polar, at codon 944 of the COL12A1 protein (p.Asp944Val).

NM_004370.6(COL12A1):c.2831A>T (p.Asp944Val)

Gene: COL12A1 (collagen type XII alpha 1 chain; minus strand). Cytogenetic location: 6q13.
Variant type: single nucleotide variant.
Coding change: c.2831A>T on transcript NM_004370.6 (MANE Select); coding-DNA position 2831, A replaced by T.
Protein change: p.Asp944Val; replaces aspartic acid 944 with valine.
Molecular consequence: missense variant. On other transcripts: intron variant (2).
Genome position (GRCh38, 1-based): chr6:75,165,659, T>A on the plus strand (A>T on the coding strand, the complement: COL12A1 is on the minus strand). VCF-style: chr6-75165659-T-A. GRCh37 (hg19) VCF-style: chr6-75875375-T-A.
Other names: c.2831A>T, p.Asp944Val (NM_001424113.1, NM_001424114.1); c.2558A>T, p.Asp853Val (NM_001424115.1); c.74-13177A>T (NM_001424116.1, NM_080645.3); short protein forms D853V, D944V.
Identifiers: ClinVar variation 2939116 (VCV002939116.3), dbSNP rs1424845481, ClinGen allele CA364758218.